The following is an entry in ClinVar:

ClinVar aggregate classification (germline): Uncertain significance (1 of 4 stars; one submission).

Conditions:
FOXP1-related disorder. Also called: FOXP1-related condition.

Submission:

PreventionGenetics, part of Exact Sciences
Classification: Uncertain significance for FOXP1-related condition. Last evaluated: 2022-11-04. Review status: criteria provided, single submitter. Criteria: ACMG Guidelines, 2015. Collection method: clinical testing. Allele origin: germline.
Comment: The FOXP1 c.1883A>G variant is predicted to result in the amino acid substitution p.Gln628Arg. To our knowledge, this variant has not been reported in the literature or in a large population database, indicating this variant is rare. At this time, the clinical significance of this variant is uncertain due to the absence of conclusive functional and genetic evidence.

NM_001349338.3(FOXP1):c.1883A>G (p.Gln628Arg)

Gene: FOXP1 (forkhead box P1; minus strand). Cytogenetic location: 3p13.
Variant type: single nucleotide variant.
Coding change: c.1883A>G on transcript NM_001349338.3 (MANE Select); coding-DNA position 1883, A replaced by G.
Protein change: p.Gln628Arg; replaces glutamine 628 with arginine.
Molecular consequence: missense variant. On other transcripts: non-coding transcript variant (2).
Genome position (GRCh38, 1-based): chr3:70,965,896, T>C on the plus strand (A>G on the coding strand, the complement: FOXP1 is on the minus strand). VCF-style: chr3-70965896-T-C. GRCh37 (hg19) VCF-style: chr3-71015047-T-C.
Other names: c.1880A>G, p.Gln627Arg (NM_001244808.3, NM_001349341.3); c.1931A>G, p.Gln644Arg (NM_001244810.2); c.1655A>G, p.Gln552Arg (NM_001244812.3); c.1583A>G, p.Gln528Arg (NM_001244813.3, NM_001244815.2, NM_001349342.3); c.1883A>G, p.Gln628Arg (NM_001244814.3, NM_001244816.2, NM_001349340.3 and 1 more transcripts); c.1580A>G, p.Gln527Arg (NM_001349337.2, NM_001349343.3, NM_001349344.3 and 1 more transcripts); short protein forms Q527R, Q528R, Q552R, Q627R, Q628R, Q644R.
Identifiers: ClinVar variation 2629325 (VCV002629325.1), dbSNP rs2544928140, ClinGen allele CA353489335.
Genomic context (GRCh38, chr3:70,965,896, plus strand): 5'-ACCTAGGGAGACTAGGGTCAGATAGCAAAGACCTGTTGGGTGGACAATACTCACACGGCT[T>C]GCATAGGAGATCTGCCTGGACTGCTGTCACTCTCGTTGCTGTTGGTATGCTCCATTGCCC-3'
Protein context (NP_001336267.1, residues 618-638): SDSSPGRSPM[Gln628Arg]AVHPVHVKEE